The following is an entry in ClinVar:

NM_005475.3(SH2B3):c.170C>T (p.Pro57Leu)

Gene: SH2B3 (SH2B adaptor protein 3; plus strand). Cytogenetic location: 12q24.12.
Variant type: single nucleotide variant.
Coding change: c.170C>T on transcript NM_005475.3 (MANE Select); coding-DNA position 170, C replaced by T.
Protein change: p.Pro57Leu; replaces proline 57 with leucine.
Molecular consequence: missense variant.
Genome position (GRCh38, 1-based): chr12:111,418,315, C>T. VCF-style: chr12-111418315-C-T. GRCh37 (hg19) VCF-style: chr12-111856119-C-T.
Other names: short protein forms P57L.
Identifiers: ClinVar variation 3795141 (VCV003795141.1).

ClinVar aggregate classification (germline): Uncertain significance (1 of 4 stars; one submission).

Conditions:
Inborn genetic diseases. Identifiers: MedGen C0950123, MeSH D030342.

Submission:

Ambry Genetics
Classification: Uncertain significance for Inborn genetic diseases. Last evaluated: 2025-01-26. Review status: criteria provided, single submitter. Criteria: Ambry Variant Classification Scheme 2023. Collection method: clinical testing. Allele origin: germline.
Comment: The p.P57L variant (also known as c.170C>T), located in coding exon 1 of the SH2B3 gene, results from a C to T substitution at nucleotide position 170. The proline at codon 57 is replaced by leucine, an amino acid with similar properties. This amino acid position is conserved. In addition, this alteration is predicted to be tolerated by in silico analysis. Based on the available evidence, the clinical significance of this variant remains unclear.